The following is an entry in ClinVar:

NM_001267550.2(TTN):c.18824A>G (p.Asn6275Ser)

Genes: TTN (titin; minus strand), LOC126806430 (BRD4-independent group 4 enhancer GRCh37_chr2:179593794-179594993; plus strand). Cytogenetic location: 2q31.2.
Variant type: single nucleotide variant.
Coding change: c.18824A>G on transcript NM_001267550.2 (MANE Select); coding-DNA position 18824, A replaced by G.
Protein change: p.Asn6275Ser; replaces asparagine 6275 with serine.
Molecular consequence: missense variant. On other transcripts: intron variant (3).
Genome position (GRCh38, 1-based): chr2:178,729,332, T>C on the plus strand (A>G on the coding strand, the complement: TTN is on the minus strand). VCF-style: chr2-178729332-T-C. GRCh37 (hg19) VCF-style: chr2-179594059-T-C.
Other names: p.N5958S:AAT>AGT; p.Asn5958Ser; c.17873A>G, p.Asn5958Ser (NM_001256850.1); c.15092A>G, p.Asn5031Ser (NM_133378.4); c.13282+8750A>G (NM_003319.4); c.13858+8750A>G (NM_133437.4); c.13657+8750A>G (NM_133432.3); short protein forms N6275S, N5031S, N5958S.
Identifiers: ClinVar variation 46646 (VCV000046646.76), dbSNP rs184412722, ClinGen allele CA138852.
Genomic context (GRCh38, chr2:178,729,332, plus strand): 5'-TTCTTGTATAACTGACCTTTCAGGGCAACTCTAGTACTGCATGAGCAGCTGCCGCCTTCA[T>C]TGGATACAATGCACTGGTATTCCCCAGTGTCTGAAGGGTCACACTTGGTTATATGGAGGT-3'
Protein context (NP_001254479.2, residues 6265-6285): DTGEYQCIVS[Asn6275Ser]EGGSCSCSTR

ClinVar aggregate classification (germline): Conflicting classifications of pathogenicity. Review status: criteria provided, conflicting classifications (1 of 4 stars). 24 submissions from 20 submitters: Uncertain significance (1); Benign (13); Likely benign (5). 5 of the submissions do not count toward it. Last evaluated 2026-09-01.

Conditions:
Dilated cardiomyopathy 1G (CMD1G). Identifiers: Orphanet 154, MedGen C1858763, MONDO:0011400, OMIM 604145.
Autosomal recessive limb-girdle muscular dystrophy type 2J (LGMDR10). Also called: MUSCULAR DYSTROPHY, LIMB-GIRDLE, AUTOSOMAL RECESSIVE 10; Limb-girdle muscular dystrophy, type 2J. Identifiers: Orphanet 140922, MedGen C1837342, MONDO:0012127, OMIM 608807.
Cardiomyopathy (CMYO). Also called: Cardiomyopathies. Identifiers: Orphanet 167848, MedGen C0878544, MONDO:0004994, HP:0001638. Inheritance: Various modes of inheritance.
Early-onset myopathy with fatal cardiomyopathy (CMYO5). Also called: CONGENITAL MYOPATHY 5 WITH CARDIOMYOPATHY; Salih Myopathy. Identifiers: Orphanet 289377, MedGen C2673677, MONDO:0012714, OMIM 611705. Disease mechanism: loss of function.
Tibial muscular dystrophy (TMD). Also called: Udd Distal Myopathy – Tibial Muscular Dystrophy; Tibial muscular dystrophy, tardive; UDD MYOPATHY. Identifiers: Orphanet 609, MedGen C1838244, MONDO:0010870, OMIM 600334.
Myopathy, myofibrillar, 9, with early respiratory failure (MFM9). Also called: Myopathy, distal, with early respiratory failure, autosomal dominant; Hereditary myopathy with early respiratory failure; MYOPATHY, PROXIMAL, WITH EARLY RESPIRATORY MUSCLE INVOLVEMENT; EDSTROM MYOPATHY. Identifiers: Orphanet 178464, Orphanet 34521, MedGen C1863599, MONDO:0011362, OMIM 603689.
Primary dilated cardiomyopathy (DCM). Also called: Dilated Cardiomyopathy. Identifiers: Orphanet 217604, MedGen C0007193, MeSH D002311, MONDO:0005021, HP:0001644. Inheritance: Various modes of inheritance.

Allele frequency attached by ClinVar (database versions not stated): gnomAD exomes 0.00224 and 0.00383; gnomAD 0.00111 and 0.00184; ESP Exome Variant Server 0.00150; ExAC 0.00445; 1000 Genomes Project 30x 0.00578; TOPMed 0.00105; 1000 Genomes Project 0.00599.
gnomAD v4.1: 3,593 of 1,612,842 alleles (0.22%); highest among the groups gnomAD compares: South Asian, 2.2%; 53 homozygotes.

Submissions (24):

CeGaT Center for Human Genetics Tuebingen
Classification: Benign. Last evaluated: 2026-09-01. Review status: criteria provided, single submitter. Criteria: CeGaT Center For Human Genetics Tuebingen Variant Classification Criteria Version 2. Collection method: clinical testing. Allele origin: germline. Affected: yes. Observed: 31 variant alleles.
Comment: TTN: BP4, BS1, BS2

Labcorp Genetics (formerly Invitae), Labcorp
Classification: Benign for Dilated cardiomyopathy 1G; Autosomal recessive limb-girdle muscular dystrophy type 2J. Last evaluated: 2026-02-03. Review status: criteria provided, single submitter. Criteria: Invitae Variant Classification Sherloc (09022015). Collection method: clinical testing. Allele origin: germline.

ARUP Laboratories, Molecular Genetics and Genomics, ARUP Laboratories
Classification: Benign. Last evaluated: 2025-06-23. Review status: criteria provided, single submitter. Criteria: ARUP Molecular Germline Variant Investigation Process 2024. Collection method: clinical testing. Allele origin: germline.

Molecular Diagnostic Laboratory for Inherited Cardiovascular Disease, Montreal Heart Institute
Classification: Benign. Last evaluated: 2025-04-09. Review status: criteria provided, single submitter. Criteria: ACMG Guidelines, 2015. Collection method: clinical testing. Allele origin: germline. Affected: no.

Athena Diagnostics
Classification: Benign. Last evaluated: 2025-01-21. Review status: criteria provided, single submitter. Criteria: Athena Diagnostics Criteria. Collection method: clinical testing. Allele origin: unknown.
Comment: The frequency of this variant in the general population is higher than would generally be expected for pathogenic variants in this gene.

Mayo Clinic Laboratories, Mayo Clinic
Classification: Benign. Last evaluated: 2023-06-16. Review status: criteria provided, single submitter. Criteria: ACMG Guidelines, 2015. Collection method: clinical testing. Allele origin: germline. Observed: 10 variant alleles.
Comment: BS1, BS2

Women's Health and Genetics/Laboratory Corporation of America, LabCorp
Classification: Likely benign. Last evaluated: 2020-01-06. Review status: criteria provided, single submitter. Criteria: LabCorp Variant Classification Summary - May 2015. Collection method: clinical testing. Allele origin: germline.

CHEO Genetics Diagnostic Laboratory, Children's Hospital of Eastern Ontario
Classification: Benign for Cardiomyopathy. Last evaluated: 2019-05-30. Review status: criteria provided, single submitter. Criteria: ACMG Guidelines, 2015. Collection method: clinical testing. Allele origin: germline.

Illumina Laboratory Services, Illumina
Classification: Likely benign for Dilated cardiomyopathy 1G. Last evaluated: 2018-01-13. Review status: criteria provided, single submitter. Criteria: ICSL Variant Classification Criteria 13 December 2019. Collection method: clinical testing. Allele origin: germline.
Comment: This variant was observed in the ICSL laboratory as part of a predisposition screen in an ostensibly healthy population. It had not been previously curated by ICSL or reported in the Human Gene Mutation Database (HGMD: prior to June 1st, 2018), and was therefore a candidate for classification through an automated scoring system. Utilizing variant allele frequency, disease prevalence and penetrance estimates, and inheritance mode, an automated score was calculated to assess if this variant is too frequent to cause the disease. Based on the score and internal cut-off values, a variant classified as likely benign is not then subjected to further curation. The score for this variant resulted in a classification of likely benign for this disease.

Illumina Laboratory Services, Illumina
Classification: Benign for Myopathy, myofibrillar, 9, with early respiratory failure. Last evaluated: 2018-01-13. Review status: criteria provided, single submitter. Criteria: ICSL Variant Classification Criteria 13 December 2019. Collection method: clinical testing. Allele origin: germline.
Comment: This variant was observed in the ICSL laboratory as part of a predisposition screen in an ostensibly healthy population. It had not been previously curated by ICSL or reported in the Human Gene Mutation Database (HGMD: prior to June 1st, 2018), and was therefore a candidate for classification through an automated scoring system. Utilizing variant allele frequency, disease prevalence and penetrance estimates, and inheritance mode, an automated score was calculated to assess if this variant is too frequent to cause the disease. Based on the score and internal cut-off values, a variant classified as benign is not then subjected to further curation. The score for this variant resulted in a classification of benign for this disease.

Illumina Laboratory Services, Illumina
Classification: Likely benign for Autosomal recessive limb-girdle muscular dystrophy type 2J. Last evaluated: 2018-01-13. Review status: criteria provided, single submitter. Criteria: ICSL Variant Classification Criteria 13 December 2019. Collection method: clinical testing. Allele origin: germline.
Comment: the same text as in the submission from Illumina Laboratory Services, Illumina above.

Illumina Laboratory Services, Illumina
Classification: Likely benign for Early-onset myopathy with fatal cardiomyopathy. Last evaluated: 2018-01-13. Review status: criteria provided, single submitter. Criteria: ICSL Variant Classification Criteria 13 December 2019. Collection method: clinical testing. Allele origin: germline.
Comment: the same text as in the submission from Illumina Laboratory Services, Illumina above.

Illumina Laboratory Services, Illumina
Classification: Benign for Tibial muscular dystrophy. Last evaluated: 2018-01-13. Review status: criteria provided, single submitter. Criteria: ICSL Variant Classification Criteria 13 December 2019. Collection method: clinical testing. Allele origin: germline.
Comment: the same text as in the submission from Illumina Laboratory Services, Illumina above.

Center for Advanced Laboratory Medicine, UC San Diego Health, University of California San Diego
Classification: Benign for Dilated cardiomyopathy. Last evaluated: 2017-02-28. Review status: criteria provided, single submitter. Criteria: ACMG Guidelines, 2015. Collection method: clinical testing. Allele origin: germline. Affected: yes. Observed: 1 variant allele.

GeneDx
Classification: Benign. Last evaluated: 2016-02-08. Review status: criteria provided, single submitter. Criteria: GeneDx Variant Classification (06012015). Collection method: clinical testing. Allele origin: germline. Affected: yes.
Comment: This variant is considered likely benign or benign based on one or more of the following criteria: it is a conservative change, it occurs at a poorly conserved position in the protein, it is predicted to be benign by multiple in silico algorithms, and/or has population frequency not consistent with disease.

Eurofins Ntd Llc (ga)
Classification: Benign. Last evaluated: 2015-09-01. Review status: criteria provided, single submitter. Criteria: EGL Classification Definitions 2015. Collection method: clinical testing. Allele origin: germline. Observed: 1 variant allele, 1 heterozygote.

Laboratory for Molecular Medicine, Mass General Brigham Personalized Medicine
Classification: Benign. Last evaluated: 2015-02-25. Review status: criteria provided, single submitter. Criteria: LMM Criteria. Collection method: clinical testing. Allele origin: germline. Observed: 14 variant alleles.
Comment: p.Asn5031Ser in exon 61 of TTN: This variant is not expected to have clinical si gnificance because it has been identified in 2.4% (391/16028) of South Asian chr omosomes by the Exome Aggregation Consortium (ExAC, rg; dbSNP rs184412722).

Genetic Services Laboratory, University of Chicago
Classification: Uncertain significance. Last evaluated: 2014-03-17. Review status: criteria provided, single submitter. Criteria: ACMG Guidelines, 2007. Collection method: clinical testing. Allele origin: germline.

Biesecker Lab/Clinical Genomics Section, National Institutes of Health
Classification: Likely benign. Last evaluated: 2013-06-24. Review status: criteria provided, single submitter. Criteria: Ng et al. (Circ Cardiovasc Genet. 2013). Collection method: research. Allele origin: unknown. Observed: 4 variant alleles. Study: ClinSeq.
Comment: The study set was not selected for affection status in relation to any cancer. Pathogenicity categories were based on literature curation. See Pubmed ID:23861362 for details.

Medical sequencing

Clinical Genetics DNA and cytogenetics Diagnostics Lab, Erasmus MC, Erasmus Medical Center
Classification: Likely benign. Review status: no assertion criteria provided. Collection method: clinical testing. Allele origin: germline. Affected: yes. Study: VKGL Data-share Consensus. Not counted in ClinVar's aggregate classification.

Clinical Genetics, Academic Medical Center
Classification: Benign. Review status: no assertion criteria provided. Collection method: clinical testing. Allele origin: germline. Affected: yes. Study: VKGL Data-share Consensus. Not counted in ClinVar's aggregate classification.

Diagnostic Laboratory, Department of Genetics, University Medical Center Groningen
Classification: Likely benign. Review status: no assertion criteria provided. Collection method: clinical testing. Allele origin: germline. Affected: yes. Study: VKGL Data-share Consensus. Not counted in ClinVar's aggregate classification.

Joint Genome Diagnostic Labs from Nijmegen and Maastricht, Radboudumc and MUMC+
Classification: Benign. Review status: no assertion criteria provided. Collection method: clinical testing. Allele origin: germline. Affected: yes. Study: VKGL Data-share Consensus. Not counted in ClinVar's aggregate classification.

Laboratory of Diagnostic Genome Analysis, Leiden University Medical Center (LUMC)
Classification: Likely benign. Review status: no assertion criteria provided. Collection method: clinical testing. Allele origin: germline. Affected: yes. Study: VKGL Data-share Consensus. Not counted in ClinVar's aggregate classification.

Literature cited by the submitters: PubMed 25163546 (cited by Athena Diagnostics).